The following is an entry in ClinVar:

Conditions:
Long QT syndrome 5 (LQT5). Identifiers: Orphanet 101016, Orphanet 768, MedGen C1867904, MONDO:0013372, OMIM 613695.

Submission:

Roden Lab, Vanderbilt University Medical Center
No classification provided (evidence only). Condition: Long QT syndrome 5. Review status: no classification provided. Collection method: in vitro. Allele origin: not applicable. Functional consequence: Effect on ion channel function.
ClinVar note: "not provided" was previously submitted as the classification for the variant. However, the classification appeared to be based only on an observation of functional data so it was converted to no classification on 2025-07-30.

NM_000219.6(KCNE1):c.213G>C (p.Leu71=)

Gene: KCNE1 (potassium voltage-gated channel subfamily E regulatory subunit 1; minus strand). Cytogenetic location: 21q22.12.
Variant type: single nucleotide variant.
Coding change: c.213G>C on transcript NM_000219.6 (MANE Select); coding-DNA position 213, G replaced by C.
Protein change: p.Leu71=; no amino-acid change (leucine 71 retained).
Molecular consequence: synonymous variant.
Genome position (GRCh38, 1-based): chr21:34,449,422, C>G on the plus strand (G>C on the coding strand, the complement: KCNE1 is on the minus strand). VCF-style: chr21-34449422-C-G. GRCh37 (hg19) VCF-style: chr21-35821720-C-G.
Other names: c.213G>C, p.Leu71= (NM_001127668.4, NM_001127669.4, NM_001127670.4 and 4 more transcripts).
Identifiers: ClinVar variation 3374344 (VCV003374344.2).